The following is an entry in ClinVar:

NM_001853.4(COL9A3):c.692G>A (p.Arg231Gln)

Gene: COL9A3 (collagen type IX alpha 3 chain; plus strand). Cytogenetic location: 20q13.33.
Variant type: single nucleotide variant.
Coding change: c.692G>A on transcript NM_001853.4 (MANE Select); coding-DNA position 692, G replaced by A.
Protein change: p.Arg231Gln; replaces arginine 231 with glutamine.
Molecular consequence: missense variant.
Genome position (GRCh38, 1-based): chr20:62,826,211, G>A. VCF-style: chr20-62826211-G-A. GRCh37 (hg19) VCF-style: chr20-61457563-G-A.
Other names: short protein forms R231Q.
Identifiers: ClinVar variation 1417249 (VCV001417249.6), dbSNP rs756660482, ClinGen allele CA9949452.

ClinVar aggregate classification (germline): Uncertain significance (1 of 4 stars; one submission).

Allele frequency attached by ClinVar (database versions not stated): gnomAD 0.00004; ExAC 0.00005.
gnomAD v4.1: 17 of 1,561,830 alleles (0.0011%); highest among the groups gnomAD compares: Middle Eastern, 0.018%; no homozygotes.

Submission:

Labcorp Genetics (formerly Invitae), Labcorp
Classification: Uncertain significance. Last evaluated: 2025-06-17. Review status: criteria provided, single submitter. Criteria: Invitae Variant Classification Sherloc (09022015). Collection method: clinical testing. Allele origin: germline.
Comment: This sequence change replaces arginine, which is basic and polar, with glutamine, which is neutral and polar, at codon 231 of the COL9A3 protein (p.Arg231Gln). The frequency data for this variant in the population databases is considered unreliable, as metrics indicate poor data quality at this position in the gnomAD database. This variant has not been reported in the literature in individuals affected with COL9A3-related conditions. ClinVar contains an entry for this variant (Variation ID: 1417249). Invitae Evidence Modeling of protein sequence and biophysical properties (such as structural, functional, and spatial information, amino acid conservation, physicochemical variation, residue mobility, and thermodynamic stability) indicates that this missense variant is not expected to disrupt COL9A3 protein function with a negative predictive value of 95%. In summary, the available evidence is currently insufficient to determine the role of this variant in disease. Therefore, it has been classified as a Variant of Uncertain Significance.